The following is an entry in ClinVar:

NM_003072.5(SMARCA4):c.1944-19_1944-16delinsTCCG

Gene: SMARCA4 (SWI/SNF related BAF chromatin remodeling complex subunit ATPase 4; plus strand). Cytogenetic location: 19p13.2.
Variant type: Indel.
Coding change: c.1944-19_1944-16delinsTCCG on transcript NM_003072.5 (MANE Select); 19 bases into the intron before coding-DNA position 1944 through 16 bases into the intron before coding-DNA position 1944, GCCC replaced by TCCG.
Molecular consequence: intron variant.
Genome position (GRCh38, 1-based): chr19:11,003,321-11,003,324, GCCC replaced by TCCG. VCF-style: chr19-11003321-GCCC-TCCG. GRCh37 (hg19) VCF-style: chr19-11113997-GCCC-TCCG.
Other names: c.1944-19_1944-16delinsTCCG (NM_001128844.3, NM_001128849.3, NM_001128847.4 and 6 more transcripts).
Identifiers: ClinVar variation 5042155 (VCV005042155.1).
Genomic context (GRCh38, chr19:11,003,321, plus strand): 5'-TTCCCGGCAGGTTTGGTAGGGAAAGTGAATTCTGCTGGCTCTGAGCAGATTTGTATGAAA[GCCC>TCCG]TTACATTTTTTCTAGGTATGAAGTAGCTCCGAGGTCTGATAGTGAAGAAAGTGGCTCAGA-3'

ClinVar aggregate classification (germline): Likely benign (1 of 4 stars; one submission).

Conditions:
Rhabdoid tumor predisposition syndrome 2 (RTPS2). Identifiers: Orphanet 231108, Orphanet 69077, MedGen C2750074, MONDO:0013224, OMIM 613325.

Submission:

Myriad Genetics, Inc.
Classification: Likely benign for Rhabdoid tumor predisposition syndrome 2. Last evaluated: 2026-07-07. Review status: criteria provided, single submitter. Criteria: Myriad Autosomal Dominant, Autosomal Recessive and X-Linked Classification Criteria (2023). Collection method: clinical testing. Allele origin: unknown.
Comment: This variant is considered likely benign. This variant is intronic and is not expected to impact mRNA splicing.